The following is an entry in ClinVar:

NM_001009881.3(TUT4):c.324C>T (p.Ala108=)

Gene: TUT4 (terminal uridylyl transferase 4; minus strand). Cytogenetic location: 1p32.3.
Variant type: single nucleotide variant.
Coding change: c.324C>T on transcript NM_001009881.3 (MANE Select); coding-DNA position 324, C replaced by T.
Protein change: p.Ala108=; no amino-acid change (alanine 108 retained).
Molecular consequence: synonymous variant.
Genome position (GRCh38, 1-based): chr1:52,525,957, G>A on the plus strand (C>T on the coding strand, the complement: TUT4 is on the minus strand). VCF-style: chr1-52525957-G-A. GRCh37 (hg19) VCF-style: chr1-52991629-G-A.
Other names: c.324C>T, p.Ala108= (NM_015269.2).
Identifiers: ClinVar variation 2638817 (VCV002638817.24), dbSNP rs116577888, ClinGen allele CA855173.

ClinVar aggregate classification (germline): Likely benign (1 of 4 stars; one submission).

Allele frequency attached by ClinVar (database versions not stated): 1000 Genomes Project 0.00100; ExAC 0.00143; 1000 Genomes Project 30x 0.00156; gnomAD 0.00184; TOPMed 0.00216; ESP Exome Variant Server 0.00238; gnomAD exomes 0.00259.
gnomAD v4.1: 4,061 of 1,613,996 alleles (0.25%); highest among the groups gnomAD compares: Non-Finnish European, 0.31%; 9 homozygotes.

Submission:

CeGaT Center for Human Genetics Tuebingen
Classification: Likely benign. Last evaluated: 2022-03-01. Review status: criteria provided, single submitter. Criteria: CeGaT Center For Human Genetics Tuebingen Variant Classification Criteria Version 2. Collection method: clinical testing. Allele origin: germline. Affected: yes. Observed: 1 variant allele.
Comment: TUT4: BP4, BP7